The following is an entry in ClinVar:

NM_001025295.3(IFITM5):c.21C>T (p.Arg7=)

Gene: IFITM5 (interferon induced transmembrane protein 5; minus strand). Cytogenetic location: 11p15.5.
Variant type: single nucleotide variant.
Coding change: c.21C>T on transcript NM_001025295.3 (MANE Select); coding-DNA position 21, C replaced by T.
Protein change: p.Arg7=; no amino-acid change (arginine 7 retained).
Molecular consequence: synonymous variant.
Genome position (GRCh38, 1-based): chr11:299,470, G>A on the plus strand (C>T on the coding strand, the complement: IFITM5 is on the minus strand). VCF-style: chr11-299470-G-A. GRCh37 (hg19) VCF-style: chr11-299470-G-A.
Identifiers: ClinVar variation 1202188 (VCV001202188.6), dbSNP rs755699416, ClinGen allele CA5773531.
Genomic context (GRCh38, chr11:299,470, plus strand): 5'-CCCCAGTGTGAGGGCTGTGTGGGCACCGGCCTTGCTGGGCGTGGGGGCCCGGGTGTCCTC[G>A]CGGGGATACGCCGTGTCCATGGGTTCCAGCGCCGTCTCTTCCACACTCAGACTGGTGCTG-3'
Protein context (NP_001020466.1, residues 1-17): MDTAYP[Arg7=]EDTRAPTPSK

ClinVar aggregate classification (germline): Conflicting classifications of pathogenicity. Review status: criteria provided, conflicting classifications (1 of 4 stars). 2 submissions from 2 submitters: Uncertain significance (1); Likely benign (1). Last evaluated 2025-05-15.

Allele frequency attached by ClinVar (database versions not stated): ExAC 0.00028; gnomAD 0.00003 and 0.00004; gnomAD exomes 0.00006 and 0.00003; TOPMed 0.00003.

Submissions (2):

Labcorp Genetics (formerly Invitae), Labcorp
Classification: Likely benign. Last evaluated: 2025-05-15. Review status: criteria provided, single submitter. Criteria: Invitae Variant Classification Sherloc (09022015). Collection method: clinical testing. Allele origin: germline.

GeneDx
Classification: Uncertain significance. Last evaluated: 2020-10-28. Review status: criteria provided, single submitter. Criteria: GeneDx Variant Classification Process June 2021. Collection method: clinical testing. Allele origin: germline. Affected: yes.
Comment: In-silico analysis, which includes splice predictors and evolutionary conservation, is inconclusive as to whether the variant alters gene splicing. In the absence of RNA/functional studies, the actual effect of this sequence change is unknown.; Has not been previously published as pathogenic or benign to our knowledge